The following is an entry in ClinVar:

NM_001015877.2(PHF6):c.375G>A (p.Met125Ile)

Gene: PHF6 (PHD finger protein 6; plus strand). Cytogenetic location: Xq26.2.
Variant type: single nucleotide variant.
Coding change: c.375G>A on transcript NM_001015877.2 (MANE Select); coding-DNA position 375, G replaced by A.
Protein change: p.Met125Ile; replaces methionine 125 with isoleucine.
Molecular consequence: missense variant.
Genome position (GRCh38, 1-based): chrX:134,393,909, G>A. VCF-style: chrX-134393909-G-A. GRCh37 (hg19) VCF-style: chrX-133527939-G-A.
Other names: c.375G>A, p.Met125Ile (NM_032335.3, NM_032458.3); short protein forms M125I.
Identifiers: ClinVar variation 2801016 (VCV002801016.3), dbSNP rs2520543250, ClinGen allele CA414711812.

ClinVar aggregate classification (germline): Uncertain significance (1 of 4 stars; one submission).

Conditions:
Borjeson-Forssman-Lehmann syndrome (BFLS). Also called: MENTAL RETARDATION, X-LINKED, SYNDROMIC, BORJESON-FORSSMAN-LEHMANN TYPE; MENTAL RETARDATION, EPILEPSY, AND ENDOCRINE DISORDERS; BORJESON SYNDROME. Identifiers: Orphanet 127, MedGen C0265339, MONDO:0010537, OMIM 301900.

Submission:

Labcorp Genetics (formerly Invitae), Labcorp
Classification: Uncertain significance for Borjeson-Forssman-Lehmann syndrome. Last evaluated: 2022-12-22. Review status: criteria provided, single submitter. Criteria: Invitae Variant Classification Sherloc (09022015). Collection method: clinical testing. Allele origin: germline.
Comment: In summary, the available evidence is currently insufficient to determine the role of this variant in disease. Therefore, it has been classified as a Variant of Uncertain Significance. Algorithms developed to predict the effect of missense changes on protein structure and function (SIFT, PolyPhen-2, Align-GVGD) all suggest that this variant is likely to be tolerated. This variant has not been reported in the literature in individuals affected with PHF6-related conditions. This variant is not present in population databases (gnomAD no frequency). This sequence change replaces methionine, which is neutral and non-polar, with isoleucine, which is neutral and non-polar, at codon 125 of the PHF6 protein (p.Met125Ile).